The following is an entry in ClinVar:

ClinVar aggregate classification (germline): Pathogenic. Review status: criteria provided, multiple submitters, no conflicts (2 of 4 stars). 2 submissions from 2 submitters: Pathogenic (2). Last evaluated 2026-08-10.

Conditions:
Hereditary cancer-predisposing syndrome. Also called: Hereditary Cancer Syndrome; Hereditary neoplastic syndrome; Neoplastic Syndromes, Hereditary; Tumor predisposition. Identifiers: Orphanet 140162, MedGen C0027672, MeSH D009386, MONDO:0015356.
Familial cancer of breast. Also called: BREAST CANCER, FAMILIAL; Hereditary breast cancer; hereditary breast carcinoma. Identifiers: Orphanet 227535, MedGen C0346153, MONDO:0016419, OMIM 114480. Disease mechanism: loss of function.

Submissions (2):

Ambry Genetics
Classification: Pathogenic for Hereditary cancer-predisposing syndrome. Last evaluated: 2026-08-10. Review status: criteria provided, single submitter. Criteria: Ambry Variant Classification Scheme 2023. Collection method: clinical testing. Allele origin: germline.
Comment: The c.1731delG pathogenic mutation, located in coding exon 8 of the BARD1 gene, results from a deletion of one nucleotide at nucleotide position 1731, causing a translational frameshift with a predicted alternate stop codon (p.S578Lfs*13). This variant is considered to be rare based on population cohorts in the Genome Aggregation Database (gnomAD). This alteration is expected to result in loss of function by premature protein truncation or nonsense-mediated mRNA decay. As such, this alteration is interpreted as a disease-causing mutation.

Labcorp Genetics (formerly Invitae), Labcorp
Classification: Pathogenic for Familial cancer of breast. Last evaluated: 2026-01-05. Review status: criteria provided, single submitter. Criteria: Invitae Variant Classification Sherloc (09022015). Collection method: clinical testing. Allele origin: germline.
Comment: This sequence change creates a premature translational stop signal (p.Ser578Leufs*13) in the BARD1 gene. It is expected to result in an absent or disrupted protein product. Loss-of-function variants in BARD1 are known to be pathogenic (PMID: 20077502, 21344236). This variant is not present in population databases (gnomAD no frequency). This variant has not been reported in the literature in individuals affected with BARD1-related conditions. For these reasons, this variant has been classified as Pathogenic.

Literature cited by the submitters: PubMed 20077502 (cited by Labcorp Genetics (formerly Invitae), Labcorp); PubMed 21344236 (cited by Labcorp Genetics (formerly Invitae), Labcorp).

NM_000465.4(BARD1):c.1731del (p.Ser578fs)

Gene: BARD1 (BRCA1 associated RING domain 1; minus strand). Cytogenetic location: 2q35.
Variant type: Deletion.
Coding change: c.1731del on transcript NM_000465.4 (MANE Select); coding-DNA position 1731, one base deleted (G; older notation c.1731delG).
Protein change: p.Ser578fs; shifts the reading frame from serine 578.
Molecular consequence: frameshift variant. On other transcripts: non-coding transcript variant (3), intron variant (1).
Genome position (GRCh38, 1-based): chr2:214,745,801, C deleted on the plus strand (G on the coding strand, the reverse complement: BARD1 is on the minus strand). VCF-style (leftmost placement, unchanged base first): chr2-214745800-AC-A. GRCh37 (hg19) VCF-style: chr2-215610524-AC-A.
Other names: c.1674del, p.Ser559fs (NM_001282543.2); c.378del, p.Ser127fs (NM_001282545.2); c.321del, p.Ser108fs (NM_001282548.2); c.365-15293del (NM_001282549.2); c.1731delG (NM_000465.2); short protein forms S108fs, S127fs, S559fs, S578fs.
Identifiers: ClinVar variation 4732044 (VCV004732044.2).